The following is an entry in ClinVar:

ClinVar aggregate classification (germline): Uncertain significance (1 of 4 stars; one submission).

Conditions:
Hereditary cancer-predisposing syndrome. Also called: Neoplastic Syndromes, Hereditary; Tumor predisposition; Hereditary Cancer Syndrome; Hereditary neoplastic syndrome. Identifiers: Orphanet 140162, MedGen C0027672, MeSH D009386, MONDO:0015356.

Submission:

Ambry Genetics
Classification: Uncertain significance for Hereditary cancer-predisposing syndrome. Last evaluated: 2025-10-28. Review status: criteria provided, single submitter. Criteria: Ambry Variant Classification Scheme 2023. Collection method: clinical testing. Allele origin: germline.
Comment: The p.L36F variant (also known as c.106C>T), located in coding exon 2 of the MITF gene, results from a C to T substitution at nucleotide position 106. The leucine at codon 36 is replaced by phenylalanine, an amino acid with highly similar properties. This amino acid position is conserved. In addition, this alteration is predicted to be tolerated by in silico analysis. Based on the available evidence, the clinical significance of this variant remains unclear.

NM_001354604.2(MITF):c.427C>T (p.Leu143Phe)

Gene: MITF (melanocyte inducing transcription factor; plus strand). Cytogenetic location: 3p13.
Variant type: single nucleotide variant.
Coding change: c.427C>T on transcript NM_001354604.2 (MANE Select); coding-DNA position 427, C replaced by T.
Protein change: p.Leu143Phe; replaces leucine 143 with phenylalanine.
Molecular consequence: missense variant. On other transcripts: intron variant (1).
Genome position (GRCh38, 1-based): chr3:69,937,894, C>T. VCF-style: chr3-69937894-C-T. GRCh37 (hg19) VCF-style: chr3-69987045-C-T.
Other names: c.106C>T, p.Leu36Phe (NM_198158.3, NM_000248.4, NM_001184968.2); c.427C>T, p.Leu143Phe (NM_198159.3); c.379C>T, p.Leu127Phe (NM_198177.3); c.93+13C>T (NM_198178.3); c.271C>T, p.Leu91Phe (NM_001184967.2, NM_001354608.2); c.424C>T, p.Leu142Phe (NM_001354605.2, NM_001354606.2, NM_006722.3); c.376C>T, p.Leu126Phe (NM_001354607.2); short protein forms L127F, L91F, L126F, L142F, L143F, L36F.
Identifiers: ClinVar variation 4648744 (VCV004648744.1).